The following is an entry in ClinVar:

ClinVar aggregate classification (germline): Benign/Likely benign. Review status: criteria provided, multiple submitters, no conflicts (2 of 4 stars). 7 submissions from 7 submitters: Benign (4); Likely benign (3). Last evaluated 2026-02-01.

Conditions:
Collagen 6-related myopathy. Identifiers: MedGen CN117976, MONDO:0100225.
Bethlem myopathy 1A. Also called: Bethlem myopathy 1; MYOPATHY, BENIGN CONGENITAL, WITH CONTRACTURES; Bethlem Muscular Dystrophy. Identifiers: Orphanet 610, MedGen CN029274, MONDO:0024530, OMIM 158810.

Allele frequency attached by ClinVar (database versions not stated): gnomAD 0.00029 and 0.00050; TOPMed 0.00043; gnomAD exomes 0.00108; ExAC 0.00119; 1000 Genomes Project 30x 0.00156; 1000 Genomes Project 0.00200.
gnomAD v4.1: 923 of 1,612,006 alleles (0.057%); highest among the groups gnomAD compares: South Asian, 0.66%; 10 homozygotes.

Submissions (7):

CeGaT Center for Human Genetics Tuebingen
Classification: Likely benign. Last evaluated: 2026-02-01. Review status: criteria provided, single submitter. Criteria: CeGaT Center For Human Genetics Tuebingen Variant Classification Criteria Version 2. Collection method: clinical testing. Allele origin: germline. Affected: yes. Observed: 9 variant alleles.
Comment: COL6A3: BP4, BP7

Labcorp Genetics (formerly Invitae), Labcorp
Classification: Benign for Bethlem myopathy 1A. Last evaluated: 2026-01-25. Review status: criteria provided, single submitter. Criteria: Invitae Variant Classification Sherloc (09022015). Collection method: clinical testing. Allele origin: germline.

Mayo Clinic Laboratories, Mayo Clinic
Classification: Benign. Last evaluated: 2022-09-29. Review status: criteria provided, single submitter. Criteria: ACMG Guidelines, 2015. Collection method: clinical testing. Allele origin: germline. Observed: 2 variant alleles.
Comment: BS1, BS2, BP4, BP7

GeneDx
Classification: Likely benign. Last evaluated: 2021-04-02. Review status: criteria provided, single submitter. Criteria: GeneDx Variant Classification Process June 2021. Collection method: clinical testing. Allele origin: germline. Affected: yes.

Illumina Laboratory Services, Illumina
Classification: Benign for Collagen VI-related myopathy. Last evaluated: 2018-01-12. Review status: criteria provided, single submitter. Criteria: ICSL Variant Classification Criteria 13 December 2019. Collection method: clinical testing. Allele origin: germline.
Comment: This variant was observed in the ICSL laboratory as part of a predisposition screen in an ostensibly healthy population. It had not been previously curated by ICSL or reported in the Human Gene Mutation Database (HGMD: prior to June 1st, 2018), and was therefore a candidate for classification through an automated scoring system. Utilizing variant allele frequency, disease prevalence and penetrance estimates, and inheritance mode, an automated score was calculated to assess if this variant is too frequent to cause the disease. Based on the score and internal cut-off values, a variant classified as benign is not then subjected to further curation. The score for this variant resulted in a classification of benign for this disease.

Eurofins Ntd Llc (ga)
Classification: Benign. Last evaluated: 2015-07-01. Review status: criteria provided, single submitter. Criteria: EGL Classification Definitions 2015. Collection method: clinical testing. Allele origin: germline. Observed: 1 variant allele, 1 heterozygote.

Breakthrough Genomics
Classification: Likely benign. Review status: criteria provided, single submitter. Criteria: ACMG Guidelines, 2015. Collection method: not provided. Allele origin: germline. Inheritance: Autosomal recessive inheritance. Affected: yes.

NM_004369.4(COL6A3):c.6618C>T (p.Pro2206=)

Gene: COL6A3 (collagen type VI alpha 3 chain; minus strand). Cytogenetic location: 2q37.3.
Variant type: single nucleotide variant.
Coding change: c.6618C>T on transcript NM_004369.4 (MANE Select); coding-DNA position 6618, C replaced by T.
Protein change: p.Pro2206=; no amino-acid change (proline 2206 retained).
Molecular consequence: synonymous variant.
Genome position (GRCh38, 1-based): chr2:237,354,908, G>A on the plus strand (C>T on the coding strand, the complement: COL6A3 is on the minus strand). VCF-style: chr2-237354908-G-A. GRCh37 (hg19) VCF-style: chr2-238263551-G-A.
Other names: p.Pro2206=; c.4797C>T, p.Pro1599= (NM_057166.5); c.6000C>T, p.Pro2000= (NM_057167.4).
Identifiers: ClinVar variation 281259 (VCV000281259.63), dbSNP rs201814201, ClinGen allele CA2188170.